The following is an entry in ClinVar:

NM_024757.5(EHMT1):c.2641A>G (p.Thr881Ala)

Gene: EHMT1 (euchromatic histone lysine methyltransferase 1; plus strand). Cytogenetic location: 9q34.3.
Variant type: single nucleotide variant.
Coding change: c.2641A>G on transcript NM_024757.5 (MANE Select); coding-DNA position 2641, A replaced by G.
Protein change: p.Thr881Ala; replaces threonine 881 with alanine.
Molecular consequence: missense variant.
Genome position (GRCh38, 1-based): chr9:137,800,913, A>G. VCF-style: chr9-137800913-A-G. GRCh37 (hg19) VCF-style: chr9-140695365-A-G.
Other names: c.2620A>G, p.Thr874Ala (NM_001354263.2); short protein forms T874A, T881A.
Identifiers: ClinVar variation 1044795 (VCV001044795.9), dbSNP rs1953424718, ClinGen allele CA375788819.

ClinVar aggregate classification (germline): Uncertain significance (1 of 4 stars; one submission).

Conditions:
Kleefstra syndrome 1 (KLEFS1). Identifiers: Orphanet 261494, MedGen C0795833, MONDO:0027407, OMIM 610253.

Allele frequency attached by ClinVar (database versions not stated): TOPMed below 0.00001.

Submission:

Labcorp Genetics (formerly Invitae), Labcorp
Classification: Uncertain significance for Kleefstra syndrome 1. Last evaluated: 2025-08-11. Review status: criteria provided, single submitter. Criteria: Invitae Variant Classification Sherloc (09022015). Collection method: clinical testing. Allele origin: germline.
Comment: This sequence change replaces threonine, which is neutral and polar, with alanine, which is neutral and non-polar, at codon 881 of the EHMT1 protein (p.Thr881Ala). This variant is not present in population databases (gnomAD no frequency). This variant has not been reported in the literature in individuals affected with EHMT1-related conditions. ClinVar contains an entry for this variant (Variation ID: 1044795). Invitae Evidence Modeling of protein sequence and biophysical properties (such as structural, functional, and spatial information, amino acid conservation, physicochemical variation, residue mobility, and thermodynamic stability) indicates that this missense variant is not expected to disrupt EHMT1 protein function with a negative predictive value of 80%. In summary, the available evidence is currently insufficient to determine the role of this variant in disease. Therefore, it has been classified as a Variant of Uncertain Significance.